The following is an entry in ClinVar:

NM_003673.4(TCAP):c.170G>A (p.Cys57Tyr)

Gene: TCAP (titin-cap; plus strand). Cytogenetic location: 17q12.
Variant type: single nucleotide variant.
Coding change: c.170G>A on transcript NM_003673.4 (MANE Select); coding-DNA position 170, G replaced by A.
Protein change: p.Cys57Tyr; replaces cysteine 57 with tyrosine.
Molecular consequence: missense variant.
Genome position (GRCh38, 1-based): chr17:39,665,775, G>A. VCF-style: chr17-39665775-G-A. GRCh37 (hg19) VCF-style: chr17-37822028-G-A.
Other names: short protein forms C57Y.
Identifiers: ClinVar variation 464944 (VCV000464944.9), dbSNP rs754762491, ClinGen allele CA8532868.

ClinVar aggregate classification (germline): Conflicting classifications of pathogenicity. Review status: criteria provided, conflicting classifications (1 of 4 stars). 2 submissions from 2 submitters: Uncertain significance (1); Likely benign (1). Last evaluated 2025-12-08.

Conditions:
Hypertrophic cardiomyopathy 25 (CMH25). Also called: CARDIOMYOPATHY, FAMILIAL HYPERTROPHIC, 25. Identifiers: MedGen C4225408, MONDO:0011843, OMIM 607487.
Primary familial hypertrophic cardiomyopathy (HCM). Identifiers: Orphanet 99739, MedGen C0949658, MeSH D024741, MONDO:0024573. Inheritance: Various modes of inheritance.

Allele frequency attached by ClinVar (database versions not stated): TOPMed below 0.00001; ExAC 0.00001; gnomAD 0.00001; gnomAD exomes 0.00002 and 0.00003.

Submissions (2):

Labcorp Genetics (formerly Invitae), Labcorp
Classification: Uncertain significance for Hypertrophic cardiomyopathy 25; Primary familial hypertrophic cardiomyopathy. Last evaluated: 2025-12-08. Review status: criteria provided, single submitter. Criteria: Invitae Variant Classification Sherloc (09022015). Collection method: clinical testing. Allele origin: germline.
Comment: This sequence change replaces cysteine, which is neutral and slightly polar, with tyrosine, which is neutral and polar, at codon 57 of the TCAP protein (p.Cys57Tyr). This variant is present in population databases (rs754762491, gnomAD 0.004%). This missense change has been observed in individual(s) with clinical features of TCAP-related conditions (internal data). ClinVar contains an entry for this variant (Variation ID: 464944). An algorithm developed to predict the effect of missense changes on protein structure and function (PolyPhen-2) suggests that this variant is likely to be disruptive. In summary, the available evidence is currently insufficient to determine the role of this variant in disease. Therefore, it has been classified as a Variant of Uncertain Significance.

Blueprint Genetics
Classification: Likely benign. Last evaluated: 2020-09-08. Review status: criteria provided, single submitter. Criteria: ACMG Guidelines, 2015. Collection method: clinical testing. Allele origin: germline.